The following is an entry in ClinVar:

NM_000038.6(APC):c.2898T>A (p.Ser966Arg)

Gene: APC (APC regulator of Wnt signaling pathway; plus strand). Cytogenetic location: 5q22.2.
Variant type: single nucleotide variant.
Coding change: c.2898T>A on transcript NM_000038.6 (MANE Select); coding-DNA position 2898, T replaced by A.
Protein change: p.Ser966Arg; replaces serine 966 with arginine.
Molecular consequence: missense variant.
Genome position (GRCh38, 1-based): chr5:112,838,492, T>A. VCF-style: chr5-112838492-T-A. GRCh37 (hg19) VCF-style: chr5-112174189-T-A.
Other names: c.2721T>A, p.Ser907Arg (NM_001354901.2); c.2625T>A, p.Ser875Arg (NM_001354902.2); c.2595T>A, p.Ser865Arg (NM_001354903.2); c.2520T>A, p.Ser840Arg (NM_001354904.2); c.2418T>A, p.Ser806Arg (NM_001354905.2); c.2049T>A, p.Ser683Arg (NM_001354906.2); c.2898T>A, p.Ser966Arg (NM_001127510.3, NM_001354895.2); c.2844T>A, p.Ser948Arg (NM_001127511.3); and 5 more; short protein forms S948R, S966R, S941R, S840R, S865R, S976R, S984R, S683R.
Identifiers: ClinVar variation 411332 (VCV000411332.21), dbSNP rs876660579, ClinGen allele CA16027659.

ClinVar aggregate classification (germline): Conflicting classifications of pathogenicity. Review status: criteria provided, conflicting classifications (1 of 4 stars). 5 submissions from 5 submitters: Uncertain significance (4); Likely benign (1). Last evaluated 2026-01-25.

Conditions:
Familial adenomatous polyposis 1 (FAP1). Also called: FAMILIAL ADENOMATOUS POLYPOSIS 1, ATTENUATED; POLYPOSIS, ADENOMATOUS INTESTINAL. Identifiers: MedGen C2713442, MONDO:0021056, OMIM 175100. Disease mechanism: loss of function.
Hereditary cancer-predisposing syndrome. Also called: Tumor predisposition; Hereditary Cancer Syndrome; Hereditary neoplastic syndrome; Neoplastic Syndromes, Hereditary. Identifiers: Orphanet 140162, MedGen C0027672, MeSH D009386, MONDO:0015356.
Classic or attenuated familial adenomatous polyposis. Identifiers: MedGen CN372698, MONDO:0021057.

Allele frequency attached by ClinVar (database versions not stated): gnomAD 0.00001.
gnomAD v4.1: 2 of 1,614,062 alleles (0.00012%); highest among the groups gnomAD compares: Non-Finnish European, 0.00017%; no homozygotes.

Submissions (5):

Labcorp Genetics (formerly Invitae), Labcorp
Classification: Uncertain significance for Familial adenomatous polyposis 1. Last evaluated: 2026-01-25. Review status: criteria provided, single submitter. Criteria: Invitae Variant Classification Sherloc (09022015). Collection method: clinical testing. Allele origin: germline.
Comment: This sequence change replaces serine, which is neutral and polar, with arginine, which is basic and polar, at codon 966 of the APC protein (p.Ser966Arg). This variant is not present in population databases (gnomAD no frequency). This variant has not been reported in the literature in individuals affected with APC-related conditions. ClinVar contains an entry for this variant (Variation ID: 411332). Invitae Evidence Modeling of protein sequence and biophysical properties (such as structural, functional, and spatial information, amino acid conservation, physicochemical variation, residue mobility, and thermodynamic stability) has been performed for this missense variant. However, the output from this modeling did not meet the statistical confidence thresholds required to predict the impact of this variant on APC protein function. In summary, the available evidence is currently insufficient to determine the role of this variant in disease. Therefore, it has been classified as a Variant of Uncertain Significance.

All of Us Research Program, National Institutes of Health
Classification: Uncertain significance for Classic or attenuated familial adenomatous polyposis. Last evaluated: 2024-09-23. Review status: criteria provided, single submitter. Criteria: ACMG Guidelines, 2015. Collection method: clinical testing. Allele origin: germline. Inheritance: Autosomal dominant inheritance. Observed: 1 variant allele, 1 heterozygote.
Comment: This missense variant replaces serine with arginine at codon 966 of the APC protein. Computational prediction suggests that this variant may have deleterious impact on protein structure and function (internally defined REVEL score threshold >= 0.7, PMID: 27666373). Splice site prediction tools suggest that this variant may not impact RNA splicing. To our knowledge, functional studies have not been performed for this variant. This variant has not been reported in individuals affected with hereditary cancer in the literature. This variant has not been identified in the general population by the Genome Aggregation Database (gnomAD). The available evidence is insufficient to determine the role of this variant in disease conclusively. Therefore, this variant is classified as a Variant of Uncertain Significance.

This study involves interpretation of variants in research participants for the purpose of population health screening. Participant phenotype was not available at the time of variant classification. Additional details can be found in publication PMID: 35346344, PMCID: PMC8962531

Ambry Genetics
Classification: Likely benign for Hereditary cancer-predisposing syndrome. Last evaluated: 2024-07-11. Review status: criteria provided, single submitter. Criteria: Ambry Variant Classification Scheme 2023. Collection method: clinical testing. Allele origin: germline.

Color Diagnostics, LLC DBA Color Health
Classification: Uncertain significance for Hereditary cancer-predisposing syndrome. Last evaluated: 2024-06-12. Review status: criteria provided, single submitter. Criteria: ACMG Guidelines, 2015. Collection method: clinical testing. Allele origin: germline.
Comment: This missense variant replaces serine with arginine at codon 966 of the APC protein. Computational prediction suggests that this variant may have deleterious impact on protein structure and function (internally defined REVEL score threshold >= 0.7, PMID: 27666373). To our knowledge, functional studies have not been reported for this variant. This variant has not been reported in individuals affected with APC-related disorders in the literature. This variant has not been identified in the general population by the Genome Aggregation Database (gnomAD). The available evidence is insufficient to determine the role of this variant in disease conclusively. Therefore, this variant is classified as a Variant of Uncertain Significance.

Baylor Genetics
Classification: Uncertain significance for Familial adenomatous polyposis 1. Last evaluated: 2023-11-14. Review status: criteria provided, single submitter. Criteria: ACMG Guidelines, 2015. Collection method: clinical testing. Allele origin: unknown.